The following is an entry in ClinVar:

NM_007294.4(BRCA1):c.765G>A (p.Glu255=)

Gene: BRCA1 (BRCA1 DNA repair associated; minus strand). Cytogenetic location: 17q21.31.
Variant type: single nucleotide variant.
Coding change: c.765G>A on transcript NM_007294.4 (MANE Select); coding-DNA position 765, G replaced by A.
Protein change: p.Glu255=; no amino-acid change (glutamic acid 255 retained).
Molecular consequence: synonymous variant. On other transcripts: 5 prime UTR variant (2), intron variant (13).
Genome position (GRCh38, 1-based): chr17:43,094,766, C>T on the plus strand (G>A on the coding strand, the complement: BRCA1 is on the minus strand). VCF-style: chr17-43094766-C-T. GRCh37 (hg19) VCF-style: chr17-41246783-C-T.
Other names: p.E255E:GAG>GAA; NP_009225.1:p.Glu255=; p.Glu255=; c.555G>A, p.Glu185= (NM_001407886.1, NM_001407887.1, NM_001407889.1 and 25 more transcripts); c.552G>A, p.Glu184= (NM_001407894.1, NM_001407895.1, NM_001407896.1 and 12 more transcripts); c.642G>A, p.Glu214= (NM_001407919.1, NM_001407937.1, NM_001407938.1 and 34 more transcripts); c.501G>A, p.Glu167= (NM_001407920.1, NM_001407921.1, NM_001407922.1 and 15 more transcripts); c.498G>A, p.Glu166= (NM_001407930.1, NM_001407931.1, NM_001407932.1 and 5 more transcripts); and 24 more.
Identifiers: ClinVar variation 136091 (VCV000136091.59), dbSNP rs62625299, ClinGen allele CA003855.

ClinVar aggregate classification (germline): Benign/Likely benign. Review status: criteria provided, multiple submitters, no conflicts (2 of 4 stars). 18 submissions from 18 submitters: Benign (10); Likely benign (6). 2 of the submissions do not count toward it. Last evaluated 2026-01-28.

Conditions:
BRCA1-related disorder. Also called: BRCA1-related condition.
Breast and/or ovarian cancer. Identifiers: MedGen CN221562.
Hereditary cancer-predisposing syndrome. Also called: Tumor predisposition; Hereditary neoplastic syndrome; Hereditary Cancer Syndrome; Neoplastic Syndromes, Hereditary. Identifiers: Orphanet 140162, MedGen C0027672, MeSH D009386, MONDO:0015356.
Hereditary breast ovarian cancer syndrome. Also called: Hereditary breast and/or ovarian cancer syndrome; Breast and ovarian cancer; Hereditary breast and ovarian cancer syndrome; Hereditary breast and ovarian cancer; Hereditary breast and ovarian cancer syndrome (HBOC); BRCA1- and BRCA2-Associated Hereditary Breast and Ovarian Cancer. Identifiers: Orphanet 145, MedGen C0677776, MeSH D061325, MONDO:0003582. Disease mechanism: loss of function.
Breast-ovarian cancer, familial, susceptibility to, 1 (BROVCA1). Also called: BRCA1 Hereditary Breast and Ovarian Cancer; OVARIAN CANCER, SUSCEPTIBILITY TO. Identifiers: Orphanet 145, MedGen C2676676, MONDO:0011450, OMIM 604370. Disease mechanism: loss of function.
Familial cancer of breast. Also called: Hereditary breast cancer; hereditary breast carcinoma; BREAST CANCER, FAMILIAL. Identifiers: Orphanet 227535, MedGen C0346153, MONDO:0016419, OMIM 114480. Disease mechanism: loss of function.
Malignant tumor of breast. Also called: Malignant breast neoplasm; Cancer breast. Identifiers: MedGen C0006142, MONDO:0007254. Disease mechanism: loss of function.

Allele frequency attached by ClinVar (database versions not stated): gnomAD exomes 0.00026; ExAC 0.00035; 1000 Genomes Project 30x 0.00078; gnomAD 0.00094 and 0.00107; TOPMed 0.00098; 1000 Genomes Project 0.00100; ESP Exome Variant Server 0.00115.
gnomAD v4.1: 274 of 1,611,322 alleles (0.017%); highest among the groups gnomAD compares: African/African-American, 0.34%; 1 homozygote.

Submissions (18):

Labcorp Genetics (formerly Invitae), Labcorp
Classification: Benign for Hereditary breast ovarian cancer syndrome. Last evaluated: 2026-01-28. Review status: criteria provided, single submitter. Criteria: Invitae Variant Classification Sherloc (09022015). Collection method: clinical testing. Allele origin: germline.

Center for Genomic Medicine, Rigshospitalet, Copenhagen University Hospital
Classification: Benign. Last evaluated: 2025-03-04. Review status: criteria provided, single submitter. Criteria: ACMG Guidelines, 2015. Collection method: clinical testing. Allele origin: germline.

KCCC/NGS Laboratory, Kuwait Cancer Control Center
Classification: Benign for Breast-ovarian cancer, familial, susceptibility to, 1. Last evaluated: 2025-02-01. Review status: criteria provided, single submitter. Criteria: ACMG Guidelines, 2015. Collection method: clinical testing. Allele origin: germline. Affected: no.

ARUP Laboratories, Molecular Genetics and Genomics, ARUP Laboratories
Classification: Benign. Last evaluated: 2024-12-12. Review status: criteria provided, single submitter. Criteria: ARUP Molecular Germline Variant Investigation Process 2024. Collection method: clinical testing. Allele origin: germline.

Mayo Clinic Laboratories, Mayo Clinic
Classification: Benign. Last evaluated: 2024-07-30. Review status: criteria provided, single submitter. Criteria: ACMG Guidelines, 2015. Collection method: clinical testing. Allele origin: germline. Observed: 5 variant alleles.
Comment: BA1, BP1_strong

CHEO Genetics Diagnostic Laboratory, Children's Hospital of Eastern Ontario
Classification: Likely benign for Breast and/or ovarian cancer. Last evaluated: 2023-01-18. Review status: criteria provided, single submitter. Criteria: ACMG Guidelines, 2015. Collection method: clinical testing. Allele origin: germline.

National Health Laboratory Service, Universitas Academic Hospital and University of the Free State
Classification: Benign for Hereditary breast ovarian cancer syndrome. Last evaluated: 2022-04-19. Review status: criteria provided, single submitter. Criteria: ACMG Guidelines, 2015. Collection method: clinical testing. Allele origin: germline. Affected: yes. Observed: 8 variant alleles.

Blueprint Genetics
Classification: Likely benign. Last evaluated: 2021-10-08. Review status: criteria provided, single submitter. Criteria: ACMG Guidelines, 2015. Collection method: clinical testing. Allele origin: germline.

Genetic Services Laboratory, University of Chicago
Classification: Likely benign. Last evaluated: 2020-12-17. Review status: criteria provided, single submitter. Criteria: ACMG Guidelines, 2015. Collection method: clinical testing. Allele origin: germline. Affected: no.

Sema4
Classification: Benign for Hereditary cancer-predisposing syndrome. Last evaluated: 2020-04-28. Review status: criteria provided, single submitter. Criteria: Sema4 Curation Guidelines. Collection method: curation. Allele origin: germline.

Baylor Genetics
Classification: Benign for Familial cancer of breast. Last evaluated: 2017-02-23. Review status: criteria provided, single submitter. Criteria: ACMG Guidelines, 2015. Collection method: clinical testing. Allele origin: germline. Inheritance: Autosomal dominant inheritance. Affected: no.

Molecular Genetics Laboratory, University of Michigan
Classification: Benign for Breast-ovarian cancer, familial, susceptibility to, 1. Last evaluated: 2016-04-21. Review status: criteria provided, single submitter. Criteria: ACMG Guidelines, 2015. Collection method: clinical testing. Allele origin: germline. Affected: yes.

Color Diagnostics, LLC DBA Color Health
Classification: Likely benign for Hereditary cancer-predisposing syndrome. Last evaluated: 2015-10-09. Review status: criteria provided, single submitter. Criteria: ACMG Guidelines, 2015. Collection method: clinical testing. Allele origin: germline.

Eurofins Ntd Llc (ga)
Classification: Likely benign. Last evaluated: 2014-10-07. Review status: criteria provided, single submitter. Criteria: EGL Classification Definitions 2015. Collection method: clinical testing. Allele origin: germline. Observed: 1 variant allele, 1 heterozygote.

Ambry Genetics
Classification: Likely benign for Hereditary cancer-predisposing syndrome. Last evaluated: 2014-09-18. Review status: criteria provided, single submitter. Criteria: Ambry Variant Classification Scheme 2023. Collection method: clinical testing. Allele origin: germline.

GeneDx
Classification: Benign. Last evaluated: 2014-01-29. Review status: criteria provided, single submitter. Criteria: GeneDx Variant Classification (06012015). Collection method: clinical testing. Allele origin: germline. Affected: yes.
Comment: This variant is considered likely benign or benign based on one or more of the following criteria: it is a conservative change, it occurs at a poorly conserved position in the protein, it is predicted to be benign by multiple in silico algorithms, and/or has population frequency not consistent with disease.

PreventionGenetics, part of Exact Sciences
Classification: Likely benign for BRCA1-related condition. Last evaluated: 2024-06-13. Review status: no assertion criteria provided. Collection method: clinical testing. Allele origin: germline. Not counted in ClinVar's aggregate classification.
Comment: This variant is classified as likely benign based on ACMG/AMP sequence variant interpretation guidelines (Richards et al. 2015 PMID: 25741868, with internal and published modifications).

Department of Pathology and Laboratory Medicine, Sinai Health System
Classification: Likely benign for Malignant tumor of breast. Review status: no assertion criteria provided. Collection method: clinical testing. Allele origin: unknown. Affected: yes. Study: The Canadian Open Genetics Repository (COGR). Not counted in ClinVar's aggregate classification.
Comment: The BRCA1 p.Glu255= variant was identified in 2 of 1230 proband chromosomes (frequency: 0.0016) from individuals or families with breast or ovarian cancer (Fackenthal 2012, Trujillano 2015). The variant was also identified in dbSNP (ID: rs62625299) as "With other allele ", ClinVar (classified as benign by Invitae, GeneDx, and two other clinical laboratories; classified as likely benign by Ambry Genetics, Color Genomics, ARUP and one otherclinical laboratory), LOVD 3.0 (8x), and in UMD-LSDB (6x as unclassified variant). The variant was not identified in COGR, Cosmic, BIC Database, ARUP Laboratories, or Zhejiang University, databases. The variant was identified in control databases in 105 of 275132 chromosomes at a frequency of 0.0004 increasing the likelihood this could be a low frequency benign variant (Genome Aggregation Database Feb 27, 2017). The variant was observed in the following populations: African in 97 of 23988 chromosomes (freq: 0.004), Other in 1 of 6418 chromosomes (freq: 0.000216), Latino in 6 of 34064 chromosomes (freq: 0.000218), and European in 1 of 125766 chromosomes (freq: 0.000008), but not in the Ashkenazi Jewish, East Asian, Finnish, and or South Asian populations. The p.Glu255= variant is not expected to have clinical significance because it does not result in a change of amino acid and is not located in a known consensus splice site. In addition, in silico or computational prediction software programs (SpliceSiteFinder, MaxEntScan, NNSPLICE, GeneSplicer, HumanSpliceFinder) do not predict a difference in splicing. In summary, based on the above information, the clinical significance of this variant cannot be determined with certainty at this time although we would lean towards a more benign role for this variant. This variant is classified as likely benign.

Literature cited by the submitters: DOI 10.3389/fgene.2022.834265 (cited by National Health Laboratory Service, Universitas Academic Hospital and University of the Free State).